The following is an entry in ClinVar:

NM_020638.3(FGF23):c.*1079A>G

Gene: FGF23 (fibroblast growth factor 23; minus strand). Cytogenetic location: 12p13.32.
Variant type: single nucleotide variant.
Coding change: c.*1079A>G on transcript NM_020638.3 (MANE Select); 1079 bases downstream of the stop codon, A replaced by G.
Molecular consequence: 3 prime UTR variant.
Genome position (GRCh38, 1-based): chr12:4,369,264, T>C on the plus strand (A>G on the coding strand, the complement: FGF23 is on the minus strand). VCF-style: chr12-4369264-T-C. GRCh37 (hg19) VCF-style: chr12-4478430-T-C.
Identifiers: ClinVar variation 308782 (VCV000308782.5), dbSNP rs13312798, ClinGen allele CA10642182.

ClinVar aggregate classification (germline): Benign. Review status: criteria provided, single submitter (1 of 4 stars). 2 submissions from 1 submitter: Benign (2). Last evaluated 2018-01-12.

Conditions:
Tumoral calcinosis, hyperphosphatemic, familial, 2. Identifiers: MedGen C4693863, MONDO:0060714, OMIM 617993.
Autosomal dominant hypophosphatemic rickets (ADHR). Also called: HYPOPHOSPHATEMIA, AUTOSOMAL DOMINANT; VITAMIN D-RESISTANT RICKETS, AUTOSOMAL DOMINANT. Identifiers: Orphanet 89937, MedGen C0342642, MONDO:0008660, OMIM 193100.

Allele frequency attached by ClinVar (database versions not stated): gnomAD exomes 0.00229; gnomAD 0.01157 and 0.01230; TOPMed 0.01287; 1000 Genomes Project 0.01338; 1000 Genomes Project 30x 0.01405.
gnomAD v4.1: 1,935 of 231,428 alleles (0.84%); highest among the groups gnomAD compares: African/African-American, 3.9%; 44 homozygotes.

Submissions (2):

Illumina Laboratory Services, Illumina
Classification: Benign for Tumoral calcinosis, hyperphosphatemic, familial, 2. Last evaluated: 2018-01-12. Review status: criteria provided, single submitter. Criteria: ICSL Variant Classification Criteria 13 December 2019. Collection method: clinical testing. Allele origin: germline.
Comment: This variant was observed in the ICSL laboratory as part of a predisposition screen in an ostensibly healthy population. It had not been previously curated by ICSL or reported in the Human Gene Mutation Database (HGMD: prior to June 1st, 2018), and was therefore a candidate for classification through an automated scoring system. Utilizing variant allele frequency, disease prevalence and penetrance estimates, and inheritance mode, an automated score was calculated to assess if this variant is too frequent to cause the disease. Based on the score and internal cut-off values, a variant classified as benign is not then subjected to further curation. The score for this variant resulted in a classification of benign for this disease.

Illumina Laboratory Services, Illumina
Classification: Benign for Autosomal dominant hypophosphatemic rickets. Last evaluated: 2018-01-12. Review status: criteria provided, single submitter. Criteria: ICSL Variant Classification Criteria 13 December 2019. Collection method: clinical testing. Allele origin: germline.
Comment: the same text as in the submission from Illumina Laboratory Services, Illumina above.